The following is an entry in ClinVar:

NC_000002.11:g.(?_166237239)_(166239066_?)del

Gene: SCN2A (sodium voltage-gated channel alpha subunit 2; plus strand). Cytogenetic location: 2q24.3.
Variant type: Deletion.
Identifiers: ClinVar variation 2426644 (VCV002426644.6).

ClinVar aggregate classification (germline): Likely pathogenic (1 of 4 stars; one submission).

Conditions:
Seizures, benign familial infantile, 3 (BFIS3). Also called: Familial neonatal seizures; CONVULSIONS, BENIGN FAMILIAL INFANTILE, 3. Identifiers: Orphanet 140927, Orphanet 306, MedGen C1843140, MONDO:0011904, OMIM 607745.
Developmental and epileptic encephalopathy, 11 (DEE11). Also called: Early infantile epileptic encephalopathy 11. Identifiers: Orphanet 1934, MedGen C3150987, MONDO:0013388, OMIM 613721.

Submission:

Labcorp Genetics (formerly Invitae), Labcorp
Classification: Likely pathogenic for Seizures, benign familial infantile, 3; Developmental and epileptic encephalopathy, 11. Last evaluated: 2022-07-19. Review status: criteria provided, single submitter. Criteria: Invitae Variant Classification Sherloc (09022015). Collection method: clinical testing. Allele origin: germline.
Comment: In summary, the currently available evidence indicates that the variant is pathogenic, but additional data are needed to prove that conclusively. Therefore, this variant has been classified as Likely Pathogenic. This variant has not been reported in the literature in individuals affected with SCN2A-related conditions. This variant results in the deletion of exon 25 and part of exon 24 (c.4446_4551+1359del) of the SCN2A gene. It is expected to disrupt RNA splicing. Variants that disrupt the donor or acceptor splice site typically lead to a loss of protein function (PMID: 16199547), and loss-of-function variants in SCN2A are known to be pathogenic (PMID: 28379373).

Literature cited by the submitters: PubMed 16199547; PubMed 28379373.